The following is an entry in ClinVar:

ClinVar aggregate classification (germline): Likely benign (1 of 4 stars; one submission).

Submission:

CeGaT Center for Human Genetics Tuebingen
Classification: Likely benign. Last evaluated: 2023-03-01. Review status: criteria provided, single submitter. Criteria: CeGaT Center For Human Genetics Tuebingen Variant Classification Criteria Version 2. Collection method: clinical testing. Allele origin: germline. Affected: yes. Observed: 1 variant allele.
Comment: RPL13A: PM2:Supporting, BP4, BP7

NM_012423.4(RPL13A):c.396A>C (p.Thr132=)

Gene: RPL13A (ribosomal protein L13a; plus strand). Cytogenetic location: 19q13.33.
Variant type: single nucleotide variant.
Coding change: c.396A>C on transcript NM_012423.4 (MANE Select); coding-DNA position 396, A replaced by C.
Protein change: p.Thr132=; no amino-acid change (threonine 132 retained).
Molecular consequence: synonymous variant. On other transcripts: non-coding transcript variant (1).
Genome position (GRCh38, 1-based): chr19:49,491,093, A>C. VCF-style: chr19-49491093-A-C. GRCh37 (hg19) VCF-style: chr19-49994350-A-C.
Other names: c.213A>C, p.Thr71= (NM_001270491.2).
Identifiers: ClinVar variation 2650247 (VCV002650247.24), dbSNP rs2514051466, ClinGen allele CA508120249.